The following is an entry in ClinVar:

ClinVar aggregate classification (germline): Pathogenic/Likely pathogenic. Review status: criteria provided, multiple submitters, no conflicts (2 of 4 stars). 3 submissions from 3 submitters: Pathogenic (1); Likely pathogenic (2). Last evaluated 2022-08-10.

Conditions:
Amyloidosis, hereditary systemic 1 (AMYLD1). Also called: AMYLOID CARDIOMYOPATHY; Hereditary Transthyretin Amyloidosis; Isolated Cardiac Amyloidosis; Amyloid Cardiomyopathy, Transthyretin-related; Familial amyloid polyneuropathy; Transthyretin Amyloidosis. Identifiers: Orphanet 85447, Orphanet 85451, MedGen C2751492, MONDO:0971004, OMIM 105210.
Cardiovascular phenotype. Identifiers: MedGen CN230736.

Submissions (3):

Ambry Genetics
Classification: Pathogenic for Cardiovascular phenotype. Last evaluated: 2022-08-10. Review status: criteria provided, single submitter. Criteria: Ambry Variant Classification Scheme 2023. Collection method: clinical testing. Allele origin: germline.
Comment: The p.A65T pathogenic mutation (also known as c.193G>A), located in coding exon 2 of the TTR gene, results from a G to A substitution at nucleotide position 193. The alanine at codon 65 is replaced by threonine, an amino acid with similar properties. This alteration has been reported (often with nomenclature p.A45T) in individuals with hereditary transthyretin amyloidosis (hATTR) (Saraiva MJ et al. Am. J. Hum. Genet., 1992 May;50:1027-30; Cortese A et al. J. Neurol., 2016 May;263:916-924; Chao HC et al. Ann Clin Transl Neurol, 2019 May;6:913-922). Based on internal structural analysis, this variant is anticipated to result in a significant decrease in structural stability (Zanotti G et al. Eur. J. Biochem., 1995 Dec;234:563-9; Ambry internal data). Other alterations impacting the same codon (p.A65V, p.A65G, p.A65S, and p.A65D) have also been described in association with hATTR (Saraiva MJ et al. Am. J. Hum. Genet. 1992 May;50:1027-30; Janunger T et al. Amyloid. 2000 Jun;7(2):137-40; Adams D et al. Neurology, 2015 Aug;85:675-82; Pilebro B et al. Ups. J. Med. Sci. 2016 Feb;121:17-24). Based on the supporting evidence, this alteration is interpreted as a disease-causing mutation.

Labcorp Genetics (formerly Invitae), Labcorp
Classification: Likely pathogenic for Amyloidosis, hereditary systemic 1. Last evaluated: 2019-12-05. Review status: criteria provided, single submitter. Criteria: Invitae Variant Classification Sherloc (09022015). Collection method: clinical testing. Allele origin: germline.
Comment: This variant disrupts the p.Ala65 amino acid residue in TTR. Other variant(s) that disrupt this residue have been determined to be pathogenic (PMID: 7599630, 23713495, 24953234, 28460244, 10842718). This suggests that this residue is clinically significant, and that variants that disrupt this residue are likely to be disease-causing. In summary, the currently available evidence indicates that the variant is pathogenic, but additional data are needed to prove that conclusively. Therefore, this variant has been classified as Likely Pathogenic. Algorithms developed to predict the effect of missense changes on protein structure and function are either unavailable or do not agree on the potential impact of this missense change (SIFT: "Not Available"; PolyPhen-2: "Possibly Damaging"; Align-GVGD: "Not Available"). This variant has been observed in individual(s) with hereditary transthyretin-mediated amyloidosis (hATTR amyloidosis) (PMID: 1570831, 31139689). This variant is also known as Ala45Thr in the literature. This variant is not present in population databases (ExAC no frequency). This sequence change replaces alanine with threonine at codon 65 of the TTR protein (p.Ala65Thr). The alanine residue is moderately conserved and there is a small physicochemical difference between alanine and threonine.

Athena Diagnostics
Classification: Likely pathogenic. Last evaluated: 2019-11-15. Review status: criteria provided, single submitter. Criteria: Athena Diagnostics Criteria. Collection method: clinical testing. Allele origin: unknown.
Comment: Not found in the total gnomAD dataset, and the data is high quality. Found in at least one patient with expected phenotype for this gene. Predicted to have a damaging effect on the protein. Assessment of experimental evidence suggests this variant results in abnormal protein function.

Literature cited by the submitters: PubMed 1570831 (cited by 3 submitters); PubMed 17503405 (cited by Ambry Genetics and Athena Diagnostics); PubMed 26984605 (cited by Ambry Genetics); PubMed 31139689 (cited by Ambry Genetics and Labcorp Genetics (formerly Invitae), Labcorp); PubMed 7599630 (cited by Labcorp Genetics (formerly Invitae), Labcorp); PubMed 23713495 (cited by Labcorp Genetics (formerly Invitae), Labcorp); PubMed 24953234 (cited by Labcorp Genetics (formerly Invitae), Labcorp); PubMed 28460244 (cited by Labcorp Genetics (formerly Invitae), Labcorp); PubMed 10842718 (cited by Labcorp Genetics (formerly Invitae), Labcorp); PubMed 15123043 (cited by Athena Diagnostics).

NM_000371.4(TTR):c.193G>A (p.Ala65Thr)

Gene: TTR (transthyretin; plus strand). Cytogenetic location: 18q12.1.
Variant type: single nucleotide variant.
Coding change: c.193G>A on transcript NM_000371.4 (MANE Select); coding-DNA position 193, G replaced by A.
Protein change: p.Ala65Thr; replaces alanine 65 with threonine.
Molecular consequence: missense variant.
Genome position (GRCh38, 1-based): chr18:31,593,019, G>A. VCF-style: chr18-31593019-G-A. GRCh37 (hg19) VCF-style: chr18-29172982-G-A.
Other names: short protein forms A65T.
Identifiers: ClinVar variation 850453 (VCV000850453.11), dbSNP rs121918078, ClinGen allele CA297736998.